The following is an entry in ClinVar:

ClinVar aggregate classification (germline): Uncertain significance (1 of 4 stars; one submission).

Submission:

CeGaT Center for Human Genetics Tuebingen
Classification: Uncertain significance. Last evaluated: 2025-10-01. Review status: criteria provided, single submitter. Criteria: CeGaT Center For Human Genetics Tuebingen Variant Classification Criteria Version 2. Collection method: clinical testing. Allele origin: germline. Affected: yes. Observed: 1 variant allele.
Comment: OTOF: PM2, BP4

NM_194248.3(OTOF):c.4105A>G (p.Met1369Val)

Gene: OTOF (otoferlin; minus strand). Cytogenetic location: 2p23.3.
Variant type: single nucleotide variant.
Coding change: c.4105A>G on transcript NM_194248.3 (MANE Select); coding-DNA position 4105, A replaced by G.
Protein change: p.Met1369Val; replaces methionine 1369 with valine.
Molecular consequence: missense variant.
Genome position (GRCh38, 1-based): chr2:26,467,487, T>C on the plus strand (A>G on the coding strand, the complement: OTOF is on the minus strand). VCF-style: chr2-26467487-T-C. GRCh37 (hg19) VCF-style: chr2-26690355-T-C.
Other names: c.4105A>G, p.Met1369Val (NM_001287489.2); c.1804A>G, p.Met602Val (NM_004802.4, NM_194323.3); c.2035A>G, p.Met679Val (NM_194322.3); short protein forms M1369V, M602V, M679V.
Identifiers: ClinVar variation 4534401 (VCV004534401.6).